The following is an entry in ClinVar:

NM_001378454.1(ALMS1):c.10346G>A (p.Trp3449Ter)

Gene: ALMS1 (ALMS1 centrosome and basal body associated protein; plus strand). Cytogenetic location: 2p13.1.
Variant type: single nucleotide variant.
Coding change: c.10346G>A on transcript NM_001378454.1 (MANE Select); coding-DNA position 10346, G replaced by A.
Protein change: p.Trp3449Ter; replaces tryptophan 3449 with a stop codon.
Molecular consequence: nonsense.
Genome position (GRCh38, 1-based): chr2:73,559,104, G>A. VCF-style: chr2-73559104-G-A. GRCh37 (hg19) VCF-style: chr2-73786231-G-A.
Other names: c.10349G>A, p.Trp3450Ter (NM_015120.4); short protein forms W3449*, W3450*.
Identifiers: ClinVar variation 1726575 (VCV001726575.2), dbSNP rs1674604459, ClinGen allele CA347278278.

ClinVar aggregate classification (germline): Likely pathogenic (1 of 4 stars; one submission).

Conditions:
Alstrom syndrome (ALMS). Identifiers: Orphanet 64, MedGen C0268425, MONDO:0008763, OMIM 203800.

Submission:

Myriad Genetics, Inc.
Classification: Likely pathogenic for Alstrom syndrome. Last evaluated: 2021-12-22. Review status: criteria provided, single submitter. Criteria: Myriad Women's Health Autosomal Recessive and X-Linked Classification Criteria (2021). Collection method: clinical testing. Allele origin: unknown.
Comment: NM_015120.4(ALMS1):c.10349G>A(W3450*) is expected to be pathogenic in the context of Alstrom syndrome. This variant is predicted to lead to an abnormal or absent protein product due to the creation of a premature termination codon in ALMS1, a gene where loss-of-function variants are known to be pathogenic. Please note: this variant was assessed in the context of healthy population screening.